The following is an entry in ClinVar:

NM_001165963.4(SCN1A):c.2111T>C (p.Leu704Pro)

Gene: SCN1A (sodium voltage-gated channel alpha subunit 1; minus strand). Cytogenetic location: 2q24.3.
Variant type: single nucleotide variant.
Coding change: c.2111T>C on transcript NM_001165963.4 (MANE Select); coding-DNA position 2111, T replaced by C.
Protein change: p.Leu704Pro; replaces leucine 704 with proline.
Molecular consequence: missense variant. On other transcripts: 5 prime UTR variant (1), non-coding transcript variant (1).
Genome position (GRCh38, 1-based): chr2:166,042,357, A>G on the plus strand (T>C on the coding strand, the complement: SCN1A is on the minus strand). VCF-style: chr2-166042357-A-G. GRCh37 (hg19) VCF-style: chr2-166898867-A-G.
Other names: c.2027T>C, p.Leu676Pro (NM_001165964.3, NM_001353957.2, NM_001353958.2); c.2111T>C, p.Leu704Pro (NM_001202435.3, NM_001353948.2); c.2078T>C, p.Leu693Pro (NM_001353949.2, NM_001353950.2, NM_001353951.2 and 2 more transcripts); c.2075T>C, p.Leu692Pro (NM_001353954.2, NM_001353955.2); c.2024T>C, p.Leu675Pro (NM_001353960.2); c.-348T>C (NM_001353961.2); short protein forms L693P, L704P, L676P, L675P, L692P.
Identifiers: ClinVar variation 430031 (VCV000430031.11), dbSNP rs1131691747, ClinGen allele CA349065891.

ClinVar aggregate classification (germline): Uncertain significance. Review status: criteria provided, multiple submitters, no conflicts (2 of 4 stars). 3 submissions from 3 submitters: Uncertain significance (3). Last evaluated 2025-06-16.

Conditions:
Early-infantile DEE. Also called: Early infantile epileptic encephalopathy; Ohtahara syndrome; Early infantile epileptic encephalopathy with suppression bursts. Identifiers: Orphanet 1934, MedGen C0393706, MONDO:0800491.

Allele frequency attached by ClinVar (database versions not stated): gnomAD exomes 0.00001.
gnomAD v4.1: 18 of 1,613,928 alleles (0.0011%); highest among the groups gnomAD compares: Non-Finnish European, 0.0013%; no homozygotes.

Submissions (3):

Labcorp Genetics (formerly Invitae), Labcorp
Classification: Uncertain significance for Early-infantile DEE. Last evaluated: 2025-06-16. Review status: criteria provided, single submitter. Criteria: Invitae Variant Classification Sherloc (09022015). Collection method: clinical testing. Allele origin: germline.
Comment: This sequence change replaces leucine, which is neutral and non-polar, with proline, which is neutral and non-polar, at codon 704 of the SCN1A protein (p.Leu704Pro). This variant is not present in population databases (gnomAD no frequency). This variant has not been reported in the literature in individuals affected with SCN1A-related conditions. ClinVar contains an entry for this variant (Variation ID: 430031). Invitae Evidence Modeling of protein sequence and biophysical properties (such as structural, functional, and spatial information, amino acid conservation, physicochemical variation, residue mobility, and thermodynamic stability) indicates that this missense variant is expected to disrupt SCN1A protein function with a positive predictive value of 95%. In summary, the available evidence is currently insufficient to determine the role of this variant in disease. Therefore, it has been classified as a Variant of Uncertain Significance.

Athena Diagnostics
Classification: Uncertain significance. Last evaluated: 2019-07-10. Review status: criteria provided, single submitter. Criteria: Athena Diagnostics Criteria. Collection method: clinical testing. Allele origin: germline.

GeneDx
Classification: Uncertain significance. Last evaluated: 2017-05-17. Review status: criteria provided, single submitter. Criteria: GeneDx Variant Classification (06012015). Collection method: clinical testing. Allele origin: germline. Affected: yes.
Comment: A variant of uncertain significance has been identified in the SCN1A gene. The L704P variant has not been published as a pathogenic variant, nor has it been reported as a benign variant to our knowledge. The L704P variant is not observed in large population cohorts (Lek et al., 2016; 1000 Genomes Consortium et al., 2015; Exome Variant Server). The L704P variant is a semi-conservative amino acid substitution, which may impact secondary protein structure as these residues differ in some properties. This substitution occurs at a conserved position predicted to be in the cytoplasmic loop between the first and second homologous domains. In silico analysis predicts this variant is probably damaging to the protein structure/function. Based on the currently available information, it is unclear whether this variant is a pathogenic variant or a rare benign variant.